The following is an entry in ClinVar:

ClinVar aggregate classification (germline): Likely benign. Review status: criteria provided, multiple submitters, no conflicts (2 of 4 stars). 4 submissions from 4 submitters: Likely benign (4). Last evaluated 2026-01-21.

Conditions:
ANKS6-related disorder. Also called: ANKS6-related condition.
Nephronophthisis 16 (NPHP16). Identifiers: Orphanet 655, MedGen C3809320, MONDO:0014158, OMIM 615382.

Allele frequency attached by ClinVar (database versions not stated): gnomAD exomes 0.00011; ExAC 0.00017; gnomAD 0.00045 and 0.00046; TOPMed 0.00053; ESP Exome Variant Server 0.00093; 1000 Genomes Project 30x 0.00109; 1000 Genomes Project 0.00120.
gnomAD v4.1: 142 of 1,608,728 alleles (0.0088%); highest among the groups gnomAD compares: African/African-American, 0.16%; no homozygotes.

Submissions (4):

PreventionGenetics, part of Exact Sciences
Classification: Likely benign for ANKS6-related condition. Last evaluated: 2026-01-21. Review status: criteria provided, single submitter. Criteria: ACMG Guidelines, 2015. Collection method: clinical testing. Allele origin: germline.
Comment: This variant is classified as likely benign based on ACMG/AMP sequence variant interpretation guidelines (Richards et al. 2015 PMID: 25741868, with internal and published modifications).

Labcorp Genetics (formerly Invitae), Labcorp
Classification: Likely benign for Nephronophthisis 16. Last evaluated: 2025-06-12. Review status: criteria provided, single submitter. Criteria: Invitae Variant Classification Sherloc (09022015). Collection method: clinical testing. Allele origin: germline.

Blueprint Genetics
Classification: Likely benign. Last evaluated: 2024-04-10. Review status: criteria provided, single submitter. Criteria: ACMG Guidelines, 2015. Collection method: clinical testing. Allele origin: germline.

Fulgent Genetics
Classification: Likely benign for Nephronophthisis 16. Last evaluated: 2021-08-11. Review status: criteria provided, single submitter. Criteria: ACMG Guidelines, 2015. Collection method: clinical testing. Allele origin: unknown.

NM_173551.5(ANKS6):c.2343C>T (p.Ile781=)

Gene: ANKS6 (ankyrin repeat and sterile alpha motif domain containing 6; minus strand). Cytogenetic location: 9q22.33.
Variant type: single nucleotide variant.
Coding change: c.2343C>T on transcript NM_173551.5 (MANE Select); coding-DNA position 2343, C replaced by T.
Protein change: p.Ile781=; no amino-acid change (isoleucine 781 retained).
Molecular consequence: synonymous variant.
Genome position (GRCh38, 1-based): chr9:98,751,080, G>A on the plus strand (C>T on the coding strand, the complement: ANKS6 is on the minus strand). VCF-style: chr9-98751080-G-A. GRCh37 (hg19) VCF-style: chr9-101513362-G-A.
Other names: c.2343C>T (NM_173551.4).
Identifiers: ClinVar variation 1090071 (VCV001090071.12), dbSNP rs146161090, ClinGen allele CA5153170.